The following is an entry in ClinVar:

NM_001102401.4(TTI2):c.1038C>T (p.Ile346=)

Gene: TTI2 (TELO2 interacting protein 2; minus strand). Cytogenetic location: 8p12.
Variant type: single nucleotide variant.
Coding change: c.1038C>T on transcript NM_001102401.4 (MANE Select); coding-DNA position 1038, C replaced by T.
Protein change: p.Ile346=; no amino-acid change (isoleucine 346 retained).
Molecular consequence: synonymous variant.
Genome position (GRCh38, 1-based): chr8:33,503,825, G>A on the plus strand (C>T on the coding strand, the complement: TTI2 is on the minus strand). VCF-style: chr8-33503825-G-A. GRCh37 (hg19) VCF-style: chr8-33361343-G-A.
Other names: c.1038C>T, p.Ile346= (NM_001265581.2, NM_025115.5); c.945C>T, p.Ile315= (NM_001330505.3).
Identifiers: ClinVar variation 2658532 (VCV002658532.24), dbSNP rs756836109, ClinGen allele CA4707183.

ClinVar aggregate classification (germline): Likely benign (1 of 4 stars; one submission).

Allele frequency attached by ClinVar (database versions not stated): gnomAD exomes below 0.00001; ExAC 0.00002.

Submission:

CeGaT Center for Human Genetics Tuebingen
Classification: Likely benign. Last evaluated: 2023-06-01. Review status: criteria provided, single submitter. Criteria: CeGaT Center For Human Genetics Tuebingen Variant Classification Criteria Version 2. Collection method: clinical testing. Allele origin: germline. Affected: yes. Observed: 1 variant allele.
Comment: TTI2: BP4, BP7